The following is an entry in ClinVar:

ClinVar aggregate classification (germline): Uncertain significance (1 of 4 stars; one submission).

Conditions:
Cystic fibrosis (CF). Also called: MUCOVISCIDOSIS. Identifiers: Orphanet 586, MedGen C0010674, MONDO:0009061, OMIM 219700. Disease mechanism: loss of function.

Allele frequency attached by ClinVar (database versions not stated): TOPMed below 0.00001.

Submission:

Ambry Genetics
Classification: Uncertain significance for Cystic fibrosis. Last evaluated: 2021-09-23. Review status: criteria provided, single submitter. Criteria: Ambry Variant Classification Scheme 2023. Collection method: clinical testing. Allele origin: germline.
Comment: The p.Q1012R variant (also known as c.3035A>G), located in coding exon 19 of the CFTR gene, results from an A to G substitution at nucleotide position 3035. The glutamine at codon 1012 is replaced by arginine, an amino acid with highly similar properties. This amino acid position is conserved. In addition, the in silico prediction for this alteration is inconclusive. Since supporting evidence is limited at this time, the clinical significance of this alteration remains unclear.

NM_000492.4(CFTR):c.3035A>G (p.Gln1012Arg)

Genes: CFTR (CF transmembrane conductance regulator; plus strand), CFTR-AS2 (CFTR antisense RNA 2; minus strand), LOC111674472 (DNase I hypersensitive sites in introns 16 and 17a of CFTR; plus strand). Cytogenetic location: 7q31.2.
Variant type: single nucleotide variant.
Coding change: c.3035A>G on transcript NM_000492.4 (MANE Select); coding-DNA position 3035, A replaced by G.
Protein change: p.Gln1012Arg; replaces glutamine 1012 with arginine.
Molecular consequence: missense variant.
Genome position (GRCh38, 1-based): chr7:117,610,565, A>G. VCF-style: chr7-117610565-A-G. GRCh37 (hg19) VCF-style: chr7-117250619-A-G.
Other names: short protein forms Q1012R.
Identifiers: ClinVar variation 1799079 (VCV001799079.2), dbSNP rs1274139896, ClinGen allele CA368990532.